The following is an entry in ClinVar:

ClinVar aggregate classification (germline): Uncertain significance (1 of 4 stars; one submission).

Submission:

GeneDx
Classification: Uncertain significance. Last evaluated: 2026-02-11. Review status: criteria provided, single submitter. Criteria: GeneDx Variant Classification Process June 2021. Collection method: clinical testing. Allele origin: germline.
Comment: In silico analysis supports that this missense variant has a deleterious effect on protein structure/function; Has not been previously published as pathogenic or benign to our knowledge

NM_018489.3(ASH1L):c.8297G>A (p.Arg2766Lys)

Gene: ASH1L (ASH1 like histone lysine methyltransferase; minus strand). Cytogenetic location: 1q22.
Variant type: single nucleotide variant.
Coding change: c.8297G>A on transcript NM_018489.3 (MANE Select); coding-DNA position 8297, G replaced by A.
Protein change: p.Arg2766Lys; replaces arginine 2766 with lysine.
Molecular consequence: missense variant.
Genome position (GRCh38, 1-based): chr1:155,342,099, C>T on the plus strand (G>A on the coding strand, the complement: ASH1L is on the minus strand). VCF-style: chr1-155342099-C-T. GRCh37 (hg19) VCF-style: chr1-155311890-C-T.
Other names: c.8312G>A, p.Arg2771Lys (NM_001366177.2); short protein forms R2766K, R2771K.
Identifiers: ClinVar variation 4975915 (VCV004975915.1).
Genomic context (GRCh38, chr1:155,342,099, plus strand): 5'-GCTGACTTGTCAAGCCGATAATCACAGATGTACACATCTTGCTCCTTTACTCCTTTGGGT[C>T]TCCCTATGGGTCCAACCAGTGTTAAGGAATCCTATTTAGCCATTTCTCCCCCTGAGCTGC-3'
Protein context (NP_060959.2, residues 2756-2776): VLDLYTYCKG[Arg2766Lys]PKGVKEQDVY